The following is an entry in ClinVar:

NM_001379081.2(FREM1):c.252C>G (p.Phe84Leu)

Gene: FREM1 (FRAS1 related extracellular matrix 1; minus strand). Cytogenetic location: 9p22.3.
Variant type: single nucleotide variant.
Coding change: c.252C>G on transcript NM_001379081.2 (MANE Select); coding-DNA position 252, C replaced by G.
Protein change: p.Phe84Leu; replaces phenylalanine 84 with leucine.
Molecular consequence: missense variant. On other transcripts: non-coding transcript variant (4).
Genome position (GRCh38, 1-based): chr9:14,863,886, G>C on the plus strand (C>G on the coding strand, the complement: FREM1 is on the minus strand). VCF-style: chr9-14863886-G-C. GRCh37 (hg19) VCF-style: chr9-14863884-G-C.
Other names: c.252C>G, p.Phe84Leu (NM_001370060.1, NM_001370063.1, NM_001370065.1 and 1 more transcripts); short protein forms F84L.
Identifiers: ClinVar variation 2589653 (VCV002589653.5), dbSNP rs760898480, ClinGen allele CA4991636.

ClinVar aggregate classification (germline): Uncertain significance. Review status: criteria provided, multiple submitters, no conflicts (2 of 4 stars). 3 submissions from 3 submitters: Uncertain significance (3). Last evaluated 2026-01-22.

Conditions:
Inborn genetic diseases. Identifiers: MedGen C0950123, MeSH D030342.
BNAR syndrome. Also called: Bifid Nose With or Without Anorectal and Renal Anomalies (BNAR) Syndrome. Identifiers: Orphanet 217266, MedGen C2750433, MONDO:0012165, OMIM 608980.
Oculotrichoanal syndrome (MOTA). Also called: MARLES SYNDROME; Manitoba Oculotrichoanal (MOTA) Syndrome. Identifiers: Orphanet 2717, MedGen C1855425, MONDO:0009560, OMIM 248450.
Trigonocephaly 2 (TRIGNO2). Identifiers: Orphanet 3366, MedGen C3280974, MONDO:0013774, OMIM 614485.

Allele frequency attached by ClinVar (database versions not stated): ExAC 0.00002.
gnomAD v4.1: 12 of 1,609,792 alleles (0.00075%); highest among the groups gnomAD compares: East Asian, 0.02%; no homozygotes.

Submissions (3):

GeneDx
Classification: Uncertain significance. Last evaluated: 2026-01-22. Review status: criteria provided, single submitter. Criteria: GeneDx Variant Classification Process June 2021. Collection method: clinical testing. Allele origin: germline.
Comment: In silico analysis supports that this missense variant has a deleterious effect on protein structure/function; Has not been previously published as pathogenic or benign to our knowledge

Ambry Genetics
Classification: Uncertain significance for Inborn genetic diseases. Last evaluated: 2025-08-28. Review status: criteria provided, single submitter. Criteria: Ambry Variant Classification Scheme 2023. Collection method: clinical testing. Allele origin: germline.

Fulgent Genetics
Classification: Uncertain significance for Oculotrichoanal syndrome; BNAR syndrome; Trigonocephaly 2. Last evaluated: 2023-12-22. Review status: criteria provided, single submitter. Criteria: ACMG Guidelines, 2015. Collection method: clinical testing. Allele origin: germline.